The following is an entry in ClinVar:

NM_016030.6(TRAPPC12):c.2093C>A (p.Thr698Asn)

Genes: TRAPPC12 (trafficking protein particle complex subunit 12; plus strand), TRAPPC12-AS1 (TRAPPC12 antisense RNA 1; minus strand). Cytogenetic location: 2p25.3.
Variant type: single nucleotide variant.
Coding change: c.2093C>A on transcript NM_016030.6 (MANE Select); coding-DNA position 2093, C replaced by A.
Protein change: p.Thr698Asn; replaces threonine 698 with asparagine.
Molecular consequence: missense variant. On other transcripts: non-coding transcript variant (1).
Genome position (GRCh38, 1-based): chr2:3,479,346, C>A. VCF-style: chr2-3479346-C-A. GRCh37 (hg19) VCF-style: chr2-3483117-C-A.
Other names: c.2093C>A, p.Thr698Asn (NM_001321102.2); short protein forms T698N.
Identifiers: ClinVar variation 2237466 (VCV002237466.4), dbSNP rs1666445385, ClinGen allele CA345735072.

ClinVar aggregate classification (germline): Uncertain significance. Review status: criteria provided, multiple submitters, no conflicts (2 of 4 stars). 3 submissions from 3 submitters: Uncertain significance (3). Last evaluated 2026-09-08.

Conditions:
TRAPPC12-related disorder. Also called: TRAPPC12-related condition.
Inborn genetic diseases. Identifiers: MedGen C0950123, MeSH D030342.

Submissions (3):

PreventionGenetics, part of Exact Sciences
Classification: Uncertain significance for TRAPPC12-related condition. Last evaluated: 2026-09-08. Review status: criteria provided, single submitter. Criteria: ACMG Guidelines, 2015. Collection method: clinical testing. Allele origin: germline.
Comment: The TRAPPC12 c.2093C>A variant is predicted to result in the amino acid substitution p.Thr698Asn. To our knowledge, this variant has not been reported in the literature or in a large population database (gnomAD), indicating this variant is rare. At this time, the clinical significance of this variant is uncertain due to the absence of conclusive functional and genetic evidence.

Women's Health and Genetics/Laboratory Corporation of America, LabCorp
Classification: Uncertain significance. Last evaluated: 2026-04-27. Review status: criteria provided, single submitter. Criteria: LabCorp Variant Classification Summary - May 2015. Collection method: clinical testing. Allele origin: germline.
Comment: Variant summary: TRAPPC12 c.2093C>A (p.Thr698Asn) results in a non-conservative amino acid change in the encoded protein sequence. Algorithms developed to predict the effect of missense changes on protein structure and function are either unavailable or do not agree on the potential impact of this missense change. The variant was absent in 251372 control chromosomes. The available data on variant occurrences in the general population are insufficient to allow any conclusion about variant significance. To our knowledge, no occurrence of c.2093C>A in individuals affected with TRAPPC12-related conditions and no experimental evidence demonstrating its impact on protein function have been reported. ClinVar contains an entry for this variant (Variation ID: 2237466). Based on the evidence outlined above, the variant was classified as uncertain significance.

Ambry Genetics
Classification: Uncertain significance for Inborn genetic diseases. Last evaluated: 2021-07-14. Review status: criteria provided, single submitter. Criteria: Ambry Variant Classification Scheme 2023. Collection method: clinical testing. Allele origin: germline.